The following is an entry in ClinVar:

ClinVar aggregate classification (germline): Pathogenic/Likely pathogenic. Review status: criteria provided, multiple submitters, no conflicts (2 of 4 stars). 4 submissions from 4 submitters: Pathogenic (2); Likely pathogenic (2). Last evaluated 2024-03-24.

Conditions:
Muscular dystrophy-dystroglycanopathy (congenital with brain and eye anomalies), type A2. Also called: WALKER-WARBURG SYNDROME OR MUSCLE-EYE-BRAIN DISEASE, POMT2-RELATED; MUSCULAR DYSTROPHY-DYSTROGLYCANOPATHY (CONGENITAL WITH BRAIN AND EYE ANOMALIES), TYPE A, 2. Identifiers: Orphanet 588, Orphanet 899, MedGen C3150411, MONDO:0013154, OMIM 613150.
Muscular dystrophy-dystroglycanopathy (congenital with impaired intellectual development), type B, 2. Also called: Muscular dystrophy-dystroglycanopathy (congenital with intellectual disability), type B2; MUSCULAR DYSTROPHY, CONGENITAL, POMT2-RELATED. Identifiers: MedGen C3150416, MONDO:0013160, OMIM 613156.
Autosomal recessive limb-girdle muscular dystrophy type 2N. Also called: MUSCULAR DYSTROPHY-DYSTROGLYCANOPATHY, LIMB-GIRDLE, POMT2-RELATED; Muscular dystrophy-dystroglycanopathy (limb-girdle), type C, 2. Identifiers: Orphanet 206559, MedGen C3150418, MONDO:0013162, OMIM 613158.

Submissions (4):

Baylor Genetics
Classification: Likely pathogenic for Muscular dystrophy-dystroglycanopathy (congenital with brain and eye anomalies), type A2. Last evaluated: 2024-03-24. Review status: criteria provided, single submitter. Criteria: ACMG Guidelines, 2015. Collection method: clinical testing. Allele origin: unknown.

Fulgent Genetics
Classification: Likely pathogenic for Muscular dystrophy-dystroglycanopathy (congenital with brain and eye anomalies), type A2; Muscular dystrophy-dystroglycanopathy (congenital with impaired intellectual development), type B, 2; Autosomal recessive limb-girdle muscular dystrophy type 2N. Last evaluated: 2024-01-05. Review status: criteria provided, single submitter. Criteria: ACMG Guidelines, 2015. Collection method: clinical testing. Allele origin: germline.

Labcorp Genetics (formerly Invitae), Labcorp
Classification: Pathogenic for Muscular dystrophy-dystroglycanopathy (congenital with impaired intellectual development), type B, 2; Muscular dystrophy-dystroglycanopathy (congenital with brain and eye anomalies), type A2; Autosomal recessive limb-girdle muscular dystrophy type 2N. Last evaluated: 2022-09-21. Review status: criteria provided, single submitter. Criteria: Invitae Variant Classification Sherloc (09022015). Collection method: clinical testing. Allele origin: germline.
Comment: For these reasons, this variant has been classified as Pathogenic. ClinVar contains an entry for this variant (Variation ID: 595917). This variant has not been reported in the literature in individuals affected with POMT2-related conditions. This variant is not present in population databases (gnomAD no frequency). This sequence change creates a premature translational stop signal (p.Trp225Glyfs*7) in the POMT2 gene. It is expected to result in an absent or disrupted protein product. Loss-of-function variants in POMT2 are known to be pathogenic (PMID: 15894594).

Eurofins Ntd Llc (ga)
Classification: Pathogenic. Last evaluated: 2018-02-01. Review status: criteria provided, single submitter. Criteria: EGL Classification Definitions 2015. Collection method: clinical testing. Allele origin: germline. Observed: 1 variant allele, 1 heterozygote.

Literature cited by the submitters: PubMed 15894594 (cited by Labcorp Genetics (formerly Invitae), Labcorp).

NM_013382.7(POMT2):c.672del (p.Trp225fs)

Genes: POMT2 (protein O-mannosyltransferase 2; minus strand), LOC130056175 (ATAC-STARR-seq lymphoblastoid silent region 5968; plus strand). Cytogenetic location: 14q24.3.
Variant type: Deletion.
Coding change: c.672del on transcript NM_013382.7 (MANE Select); coding-DNA position 672, one base deleted (C; older notation c.672delC).
Protein change: p.Trp225fs; shifts the reading frame from tryptophan 225.
Molecular consequence: frameshift variant.
Genome position (GRCh38, 1-based): chr14:77,301,234, G deleted on the plus strand (C on the coding strand, the reverse complement: POMT2 is on the minus strand); the first of 5 consecutive G bases (chr14:77,301,234-77,301,238); deleting any one gives the same sequence. VCF-style (leftmost placement, unchanged base first): chr14-77301233-AG-A. GRCh37 (hg19) VCF-style: chr14-77767576-AG-A.
Other names: short protein forms W225fs.
Identifiers: ClinVar variation 595917 (VCV000595917.11), dbSNP rs1566656247, ClinGen allele CA913191140.
Genomic context (GRCh38, chr14:77,301,233, plus strand): 5'-CAAACTTGACCCCTAAAGCACCAGCAAGACTAACGCCAGTCAGGCTGAGCCAGAACCACC[AG>A]GGGGCAGAGAAGGGCCTGAAAATCAACAAGACGGAGTTCAATTTGGCAGCTGGAACCAAA-3'